The following is an entry in ClinVar:

NM_033641.4(COL4A6):c.2981C>T (p.Pro994Leu)

Gene: COL4A6 (collagen type IV alpha 6 chain; minus strand). Cytogenetic location: Xq22.3.
Variant type: single nucleotide variant.
Coding change: c.2981C>T on transcript NM_033641.4 (MANE Select); coding-DNA position 2981, C replaced by T.
Protein change: p.Pro994Leu; replaces proline 994 with leucine.
Molecular consequence: missense variant.
Genome position (GRCh38, 1-based): chrX:108,174,597, G>A on the plus strand (C>T on the coding strand, the complement: COL4A6 is on the minus strand). VCF-style: chrX-108174597-G-A. GRCh37 (hg19) VCF-style: chrX-107417827-G-A.
Other names: c.2984C>T (NM_001847.2); c.3032C>T, p.Pro1011Leu (NM_001287758.2); c.2981C>T, p.Pro994Leu (NM_001287759.2, NM_001287760.2); c.2984C>T, p.Pro995Leu (NM_001847.4); short protein forms P1011L, P994L, P995L.
Identifiers: ClinVar variation 3006516 (VCV003006516.4), dbSNP rs2521854565, ClinGen allele CA413857054.
Genomic context (GRCh38, chrX:108,174,597, plus strand): 5'-CCACTAACTCCTTTGATAATGCCTGGGAGGCCAGGAGCTCCAGGTAGGCCTGGTGGTCCA[G>A]GTCGACCAGCCTCTCCTTTGTCACCTGTAAAAGAAATAAAAAGACTTGGAAAAAGACACT-3'
Protein context (NP_378667.1, residues 984-1004): PRGDKGEAGR[Pro994Leu]GPPGLPGAPG

ClinVar aggregate classification (germline): Uncertain significance. Review status: criteria provided, multiple submitters, no conflicts (2 of 4 stars). 2 submissions from 2 submitters: Uncertain significance (2). Last evaluated 2024-06-16.

Submissions (2):

Ambry Genetics
Classification: Uncertain significance. Last evaluated: 2024-06-16. Review status: criteria provided, single submitter. Criteria: Ambry Variant Classification Scheme 2023. Collection method: clinical testing. Allele origin: germline.

Labcorp Genetics (formerly Invitae), Labcorp
Classification: Uncertain significance. Last evaluated: 2023-03-08. Review status: criteria provided, single submitter. Criteria: Invitae Variant Classification Sherloc (09022015). Collection method: clinical testing. Allele origin: germline.
Comment: Advanced modeling of protein sequence and biophysical properties (such as structural, functional, and spatial information, amino acid conservation, physicochemical variation, residue mobility, and thermodynamic stability) performed at Invitae indicates that this missense variant is not expected to disrupt COL4A6 protein function. In summary, the available evidence is currently insufficient to determine the role of this variant in disease. Therefore, it has been classified as a Variant of Uncertain Significance. This variant has not been reported in the literature in individuals affected with COL4A6-related conditions. This variant is not present in population databases (gnomAD no frequency). This sequence change replaces proline, which is neutral and non-polar, with leucine, which is neutral and non-polar, at codon 995 of the COL4A6 protein (p.Pro995Leu).